The following is an entry in ClinVar:

NM_174858.3(AK5):c.1621-3T>C

Gene: AK5 (adenylate kinase 5; plus strand). Cytogenetic location: 1p31.1.
Variant type: single nucleotide variant.
Coding change: c.1621-3T>C on transcript NM_174858.3 (MANE Select); 3 bases into the intron before coding-DNA position 1621, T replaced by C.
Molecular consequence: intron variant.
Genome position (GRCh38, 1-based): chr1:77,558,599, T>C. VCF-style: chr1-77558599-T-C. GRCh37 (hg19) VCF-style: chr1-78024284-T-C.
Other names: c.1543-3T>C (NM_012093.4).
Identifiers: ClinVar variation 402358 (VCV000402358.5), dbSNP rs6675743, ClinGen allele CA916645.

ClinVar aggregate classification (germline): Benign. Review status: criteria provided, multiple submitters, no conflicts (2 of 4 stars). 2 submissions from 2 submitters: Benign (2). Last evaluated 2016-03-29.

Allele frequency attached by ClinVar (database versions not stated): 1000 Genomes Project 0.68530; 1000 Genomes Project 30x 0.69285; gnomAD 0.71574 and 0.71687; TOPMed 0.71577; ESP Exome Variant Server 0.71682; ExAC 0.74619; gnomAD exomes 0.75098 and 0.77644.
gnomAD v4.1: 1,196,165 of 1,554,816 alleles (77%); highest among the groups gnomAD compares: Admixed American, 83%; 464,079 homozygotes.

Submissions (2):

Laboratory for Molecular Medicine, Mass General Brigham Personalized Medicine
Classification: Benign. Last evaluated: 2016-03-29. Review status: criteria provided, single submitter. Criteria: LMM Criteria. Collection method: clinical testing. Allele origin: germline.
Comment: Variant identified in a genome or exome case(s) and assessed due to predicted null impact of the variant or pathogenic assertions in the literature or databases. Disclaimer: This variant has not undergone full assessment. The following are preliminary notes: Frequency

Breakthrough Genomics
Classification: Benign. Review status: criteria provided, single submitter. Criteria: ACMG Guidelines, 2015. Collection method: not provided. Allele origin: germline. Inheritance: Unknown mechanism. Affected: yes.